The following is an entry in ClinVar:

ClinVar aggregate classification (germline): Likely pathogenic (1 of 4 stars; one submission).

Submission:

Labcorp Genetics (formerly Invitae), Labcorp
Classification: Likely pathogenic. Last evaluated: 2024-05-23. Review status: criteria provided, single submitter. Criteria: Invitae Variant Classification Sherloc (09022015). Collection method: clinical testing. Allele origin: germline.
Comment: This sequence change affects a donor splice site in intron 5 of the SZT2 gene. It is expected to disrupt RNA splicing. Variants that disrupt the donor or acceptor splice site typically lead to a loss of protein function (PMID: 16199547), and loss-of-function variants in SZT2 are known to be pathogenic (PMID: 23932106, 27248490, 28556953). This variant is not present in population databases (gnomAD no frequency). This variant has not been reported in the literature in individuals affected with SZT2-related conditions. Algorithms developed to predict the effect of sequence changes on RNA splicing suggest that this variant may disrupt the consensus splice site. In summary, the currently available evidence indicates that the variant is pathogenic, but additional data are needed to prove that conclusively. Therefore, this variant has been classified as Likely Pathogenic.

Literature cited by the submitters: PubMed 16199547; PubMed 23932106; PubMed 27248490; PubMed 28556953.

NM_001365999.1(SZT2):c.630+1G>A

Gene: SZT2 (SZT2 subunit of KICSTOR complex; plus strand). Cytogenetic location: 1p34.2.
Variant type: single nucleotide variant.
Coding change: c.630+1G>A on transcript NM_001365999.1 (MANE Select); the canonical splice donor site of the intron after coding-DNA position 630, G replaced by A.
Molecular consequence: splice donor variant.
Genome position (GRCh38, 1-based): chr1:43,415,214, G>A. VCF-style: chr1-43415214-G-A. GRCh37 (hg19) VCF-style: chr1-43880885-G-A.
Other names: c.630+1G>A (NM_015284.4).
Identifiers: ClinVar variation 3651055 (VCV003651055.2).